The following is an entry in ClinVar:

ClinVar aggregate classification (germline): Likely benign. Review status: criteria provided, multiple submitters, no conflicts (2 of 4 stars). 2 submissions from 2 submitters: Likely benign (2). Last evaluated 2025-08-12.

Conditions:
KANK4-related disorder. Also called: KANK4-related condition.

gnomAD v4.1: 30 of 1,613,928 alleles (0.0019%); highest among the groups gnomAD compares: Non-Finnish European, 0.0025%; 1 homozygote.

Submissions (2):

PreventionGenetics, part of Exact Sciences
Classification: Likely benign for KANK4-related condition. Last evaluated: 2025-08-12. Review status: criteria provided, single submitter. Criteria: ACMG Guidelines, 2015. Collection method: clinical testing. Allele origin: germline.
Comment: This variant is classified as likely benign based on ACMG/AMP sequence variant interpretation guidelines (Richards et al. 2015 PMID: 25741868, with internal and published modifications).

Blueprint Genetics
Classification: Likely benign. Last evaluated: 2024-11-18. Review status: criteria provided, single submitter. Criteria: ACMG Guidelines, 2015. Collection method: clinical testing. Allele origin: germline.

NM_181712.5(KANK4):c.1974G>T (p.Gly658=)

Gene: KANK4 (KN motif and ankyrin repeat domains 4; minus strand). Cytogenetic location: 1p31.3.
Variant type: single nucleotide variant.
Coding change: c.1974G>T on transcript NM_181712.5 (MANE Select); coding-DNA position 1974, G replaced by T.
Protein change: p.Gly658=; no amino-acid change (glycine 658 retained).
Molecular consequence: synonymous variant.
Genome position (GRCh38, 1-based): chr1:62,271,516, C>A on the plus strand (G>T on the coding strand, the complement: KANK4 is on the minus strand). VCF-style: chr1-62271516-C-A. GRCh37 (hg19) VCF-style: chr1-62737188-C-A.
Other names: c.1974G>T (NM_181712.4); c.90G>T, p.Gly30= (NM_001320269.2).
Identifiers: ClinVar variation 4892507 (VCV004892507.2).